The following is an entry in ClinVar:

ClinVar aggregate classification (germline): Conflicting classifications of pathogenicity. Review status: criteria provided, conflicting classifications (1 of 4 stars). 6 submissions from 6 submitters: Uncertain significance (1); Likely benign (4). 1 of the submissions does not count toward it. Last evaluated 2025-12-20.

Conditions:
TMIE-related disorder. Also called: TMIE-related condition.
Autosomal recessive nonsyndromic hearing loss 6. Also called: NEUROSENSORY NONSYNDROMIC RECESSIVE DEAFNESS 6. Identifiers: Orphanet 90636, MedGen C1832992, MONDO:0010965, OMIM 600971.

Allele frequency attached by ClinVar (database versions not stated): gnomAD exomes 0.00024 and 0.00015; gnomAD 0.00033 and 0.00034; TOPMed 0.00038; 1000 Genomes Project 0.00060; 1000 Genomes Project 30x 0.00094; ESP Exome Variant Server 0.00016; ExAC 0.00014.
gnomAD v4.1: 290 of 1,613,764 alleles (0.018%); highest among the groups gnomAD compares: Middle Eastern, 0.18%; no homozygotes.

Submissions (6):

Labcorp Genetics (formerly Invitae), Labcorp
Classification: Likely benign. Last evaluated: 2025-12-20. Review status: criteria provided, single submitter. Criteria: Invitae Variant Classification Sherloc (09022015). Collection method: clinical testing. Allele origin: germline.

Blueprint Genetics
Classification: Likely benign. Last evaluated: 2024-10-18. Review status: criteria provided, single submitter. Criteria: ACMG Guidelines, 2015. Collection method: clinical testing. Allele origin: germline.

GeneDx
Classification: Likely benign. Last evaluated: 2020-11-20. Review status: criteria provided, single submitter. Criteria: GeneDx Variant Classification Process June 2021. Collection method: clinical testing. Allele origin: germline. Affected: yes.

Illumina Laboratory Services, Illumina
Classification: Uncertain significance for Autosomal recessive nonsyndromic hearing loss 6. Last evaluated: 2017-04-27. Review status: criteria provided, single submitter. Criteria: ICSL Variant Classification Criteria 13 December 2019. Collection method: clinical testing. Allele origin: germline.

Laboratory for Molecular Medicine, Mass General Brigham Personalized Medicine
Classification: Likely benign. Last evaluated: 2010-12-13. Review status: criteria provided, single submitter. Criteria: LMM Criteria. Collection method: clinical testing. Allele origin: germline. Observed: 2 variant alleles.
Comment: Thr34Thr in exon 2 of TMIE: This variant is not expected to have clinical signif icance because it does not alter an amino acid residue and is not located near a splice junction.

PreventionGenetics, part of Exact Sciences
Classification: Likely benign for TMIE-related condition. Last evaluated: 2019-11-21. Review status: no assertion criteria provided. Collection method: clinical testing. Allele origin: germline. Not counted in ClinVar's aggregate classification.
Comment: This variant is classified as likely benign based on ACMG/AMP sequence variant interpretation guidelines (Richards et al. 2015 PMID: 25741868, with internal and published modifications).

NM_147196.3(TMIE):c.102G>A (p.Thr34=)

Gene: TMIE (transmembrane inner ear; plus strand). Cytogenetic location: 3p21.31.
Variant type: single nucleotide variant.
Coding change: c.102G>A on transcript NM_147196.3 (MANE Select); coding-DNA position 102, G replaced by A.
Protein change: p.Thr34=; no amino-acid change (threonine 34 retained).
Molecular consequence: synonymous variant. On other transcripts: 5 prime UTR variant (2).
Genome position (GRCh38, 1-based): chr3:46,705,798, G>A. VCF-style: chr3-46705798-G-A. GRCh37 (hg19) VCF-style: chr3-46747288-G-A.
Other names: c.-58G>A (NM_001370524.1, NM_001370525.1).
Identifiers: ClinVar variation 47956 (VCV000047956.21), dbSNP rs201107982, ClinGen allele CA142254.
Genomic context (GRCh38, chr3:46,705,798, plus strand): 5'-TTCCAGCCAGCTGGCCTCTGCCTAACTCACTCCCCTCTCTCCTGACCCACAGCCCAGCAC[G>A]GCCCCACCCAAGCCCAAGCCGCCTCCGCTGACCAAGGAGACAGTGGTGTTCTGGGACATG-3'
Protein context (NP_671729.2, residues 24-44): GVAGQLVEPS[Thr34=]APPKPKPPPL